The following is an entry in ClinVar:

NM_000062.3(SERPING1):c.1323_1344del (p.Met441fs)

Gene: SERPING1 (serpin family G member 1; plus strand). Cytogenetic location: 11q12.1.
Variant type: Deletion.
Coding change: c.1323_1344del on transcript NM_000062.3 (MANE Select); coding-DNA positions 1323 to 1344, 22 bases deleted (GCAGCACCAGACAGTGCTGGAA).
Protein change: p.Met441fs; shifts the reading frame from methionine 441.
Molecular consequence: frameshift variant.
Genome position (GRCh38, 1-based): chr11:57,614,401-57,614,422, GCAGCACCAGACAGTGCTGGAA deleted. VCF-style (leftmost placement, unchanged base first): chr11-57614400-TGCAGCACCAGACAGTGCTGGAA-T. GRCh37 (hg19) VCF-style: chr11-57381873-TGCAGCACCAGACAGTGCTGGAA-T.
Other names: c.1323_1344del, p.Met441fs (NM_001032295.2); short protein forms M441fs.
Identifiers: ClinVar variation 3256129 (VCV003256129.2).
Genomic context (GRCh38, chr11:57,614,400, plus strand): 5'-TTTCTTATGACCTTAACCTGTGTGGGCTGACAGAGGACCCAGATCTTCAGGTTTCTGCGA[TGCAGCACCAGACAGTGCTGGAA>T]CTGACAGAGACTGGGGTGGAGGCGGCTGCAGCCTCCGCCATCTCTGTGGCCCGCACCCTG-3'

ClinVar aggregate classification (germline): Likely pathogenic (1 of 4 stars; one submission).

Conditions:
Hereditary angioedema type 1 (HAE1). Identifiers: Orphanet 100050, Orphanet 100051, Orphanet 91378, MedGen C2717906, MONDO:0015053, OMIM 106100.

Submission:

DNA-diagnostics Laboratory, Research Centre For Medical Genetics
Classification: Likely pathogenic for Hereditary angioedema type 1. Last evaluated: 2024-07-27. Review status: criteria provided, single submitter. Criteria: ACMG Guidelines, 2015. Collection method: research. Allele origin: germline. Inheritance: Autosomal dominant inheritance. Affected: yes. Observed: 1 heterozygote.
Comment: According to our observation the c.1323_1344del variant in SERPING1 meets ACMG/ClinGen SVI guidance criteria to be classified as likely pathogenic: PVS1_Str, PM6, PP4_Mod, PM2_Sup